The following is an entry in ClinVar:

ClinVar aggregate classification (germline): Uncertain significance (1 of 4 stars; one submission).

Allele frequency attached by ClinVar (database versions not stated): ExAC 0.00003.
gnomAD v4.1: 20 of 1,606,508 alleles (0.0012%); highest among the groups gnomAD compares: Admixed American, 0.005%; no homozygotes.

Submission:

Labcorp Genetics (formerly Invitae), Labcorp
Classification: Uncertain significance. Last evaluated: 2023-09-11. Review status: criteria provided, single submitter. Criteria: Invitae Variant Classification Sherloc (09022015). Collection method: clinical testing. Allele origin: germline.
Comment: This variant has not been reported in the literature in individuals affected with ERBB2-related conditions. In summary, the available evidence is currently insufficient to determine the role of this variant in disease. Therefore, it has been classified as a Variant of Uncertain Significance. Advanced modeling of protein sequence and biophysical properties (such as structural, functional, and spatial information, amino acid conservation, physicochemical variation, residue mobility, and thermodynamic stability) performed at Invitae indicates that this missense variant is not expected to disrupt ERBB2 protein function. ClinVar contains an entry for this variant (Variation ID: 2173225). This variant is present in population databases (rs779346332, gnomAD 0.009%). This sequence change replaces arginine, which is basic and polar, with histidine, which is basic and polar, at codon 217 of the ERBB2 protein (p.Arg217His).

NM_004448.4(ERBB2):c.650G>A (p.Arg217His)

Gene: ERBB2 (erb-b2 receptor tyrosine kinase 2; plus strand). Cytogenetic location: 17q12.
Variant type: single nucleotide variant.
Coding change: c.650G>A on transcript NM_004448.4 (MANE Select); coding-DNA position 650, G replaced by A.
Protein change: p.Arg217His; replaces arginine 217 with histidine.
Molecular consequence: missense variant. On other transcripts: non-coding transcript variant (1), intron variant (2).
Genome position (GRCh38, 1-based): chr17:39,710,092, G>A. VCF-style: chr17-39710092-G-A. GRCh37 (hg19) VCF-style: chr17-37866345-G-A.
Other names: c.650G>A, p.Arg217His (NM_001382793.1, NM_001382794.1, NM_001382795.1 and 16 more transcripts); c.470G>A, p.Arg157His (NM_001382799.1); c.641G>A, p.Arg214His (NM_001382791.1); c.560G>A, p.Arg187His (NM_001005862.3, NM_001289938.2, NM_001382782.1 and 1 more transcripts); c.605G>A, p.Arg202His (NM_001289936.2); c.725G>A, p.Arg242His (NM_001382787.1); c.643+211G>A (NM_001382802.1); c.74-1836G>A (NM_001382804.1); short protein forms R157H, R242H, R187H, R202H, R214H, R217H.
Identifiers: ClinVar variation 2173225 (VCV002173225.4), dbSNP rs779346332, ClinGen allele CA8533705.